The following is an entry in ClinVar:

ClinVar aggregate classification (germline): Uncertain significance (1 of 4 stars; one submission).

gnomAD v4.1: 5 of 1,207,251 alleles (0.00041%); highest among the groups gnomAD compares: South Asian, 0.0035%; no homozygotes.

Submission:

GeneDx
Classification: Uncertain significance. Last evaluated: 2025-04-03. Review status: criteria provided, single submitter. Criteria: GeneDx Variant Classification Process June 2021. Collection method: clinical testing. Allele origin: germline. Affected: yes.
Comment: Not observed at significant frequency in large population cohorts (gnomAD); In silico analysis indicates that this missense variant does not alter protein structure/function; Has not been previously published as pathogenic or benign to our knowledge

NM_001291867.2(NHS):c.1280T>C (p.Ile427Thr)

Gene: NHS (NHS actin remodeling regulator; plus strand). Cytogenetic location: Xp22.13.
Variant type: single nucleotide variant.
Coding change: c.1280T>C on transcript NM_001291867.2 (MANE Select); coding-DNA position 1280, T replaced by C.
Protein change: p.Ile427Thr; replaces isoleucine 427 with threonine.
Molecular consequence: missense variant.
Genome position (GRCh38, 1-based): chrX:17,725,386, T>C. VCF-style: chrX-17725386-T-C. GRCh37 (hg19) VCF-style: chrX-17743506-T-C.
Other names: c.749T>C, p.Ile250Thr (NM_001136024.4); c.686T>C, p.Ile229Thr (NM_001291868.2); c.941T>C, p.Ile314Thr (NM_001440780.1); c.1217T>C, p.Ile406Thr (NM_198270.4); short protein forms I229T, I250T, I314T, I406T, I427T.
Identifiers: ClinVar variation 4278865 (VCV004278865.1).